The following is an entry in ClinVar:

NM_001458.5(FLNC):c.6104C>T (p.Pro2035Leu)

Genes: FLNC (filamin C; plus strand), FLNC-AS1 (FLNC antisense RNA 1; minus strand). Cytogenetic location: 7q32.1.
Variant type: single nucleotide variant.
Coding change: c.6104C>T on transcript NM_001458.5 (MANE Select); coding-DNA position 6104, C replaced by T.
Protein change: p.Pro2035Leu; replaces proline 2035 with leucine.
Molecular consequence: missense variant.
Genome position (GRCh38, 1-based): chr7:128,852,927, C>T. VCF-style: chr7-128852927-C-T. GRCh37 (hg19) VCF-style: chr7-128492981-C-T.
Other names: c.6005C>T, p.Pro2002Leu (NM_001127487.2); short protein forms P2002L, P2035L.
Identifiers: ClinVar variation 853788 (VCV000853788.10), dbSNP rs1808884606, ClinGen allele CA369211243.

ClinVar aggregate classification (germline): Uncertain significance (1 of 4 stars; one submission).

Conditions:
Myofibrillar myopathy 5. Also called: FILAMINOPATHY, AUTOSOMAL DOMINANT; Filaminopathy (type). Identifiers: Orphanet 171445, MedGen C1836050, MONDO:0012289, OMIM 609524.
Distal myopathy with posterior leg and anterior hand involvement. Also called: WILLIAMS DISTAL MYOPATHY. Identifiers: Orphanet 63273, MedGen C3279722, MONDO:0013550, OMIM 614065.
Hypertrophic cardiomyopathy 26. Also called: Cardiomyopathy, familial hypertrophic, 26. Identifiers: Orphanet 75249, MedGen C4310749, MONDO:0014883, OMIM 617047.

Submission:

Labcorp Genetics (formerly Invitae), Labcorp
Classification: Uncertain significance for Distal myopathy with posterior leg and anterior hand involvement; Myofibrillar myopathy 5; Hypertrophic cardiomyopathy 26. Last evaluated: 2022-08-31. Review status: criteria provided, single submitter. Criteria: Invitae Variant Classification Sherloc (09022015). Collection method: clinical testing. Allele origin: germline.
Comment: This sequence change replaces proline, which is neutral and non-polar, with leucine, which is neutral and non-polar, at codon 2035 of the FLNC protein (p.Pro2035Leu). This variant has not been reported in the literature in individuals affected with FLNC-related conditions. This variant is not present in population databases (gnomAD no frequency). In summary, the available evidence is currently insufficient to determine the role of this variant in disease. Therefore, it has been classified as a Variant of Uncertain Significance. Algorithms developed to predict the effect of missense changes on protein structure and function are either unavailable or do not agree on the potential impact of this missense change (SIFT: "Deleterious"; PolyPhen-2: "Benign"; Align-GVGD: "Class C0"). ClinVar contains an entry for this variant (Variation ID: 853788).